The following is an entry in ClinVar:

NM_001130823.3(DNMT1):c.1297G>A (p.Gly433Ser)

Gene: DNMT1 (DNA methyltransferase 1; minus strand). Cytogenetic location: 19p13.2.
Variant type: single nucleotide variant.
Coding change: c.1297G>A on transcript NM_001130823.3 (MANE Select); coding-DNA position 1297, G replaced by A.
Protein change: p.Gly433Ser; replaces glycine 433 with serine.
Molecular consequence: missense variant.
Genome position (GRCh38, 1-based): chr19:10,156,493, C>T on the plus strand (G>A on the coding strand, the complement: DNMT1 is on the minus strand). VCF-style: chr19-10156493-C-T. GRCh37 (hg19) VCF-style: chr19-10267169-C-T.
Other names: c.1249G>A, p.Gly417Ser (NM_001318730.2, NM_001379.4); c.934G>A, p.Gly312Ser (NM_001318731.2); short protein forms G312S, G433S, G417S.
Identifiers: ClinVar variation 1934182 (VCV001934182.5), dbSNP rs758850158, ClinGen allele CA9188323.

ClinVar aggregate classification (germline): Uncertain significance (1 of 4 stars; one submission).

Conditions:
Hereditary sensory neuropathy-deafness-dementia syndrome. Also called: HSN IE; Hereditary sensory neuropathy type IE; NEUROPATHY, HEREDITARY SENSORY, WITH HEARING LOSS AND DEMENTIA; Hereditary Sensory and Autonomic Neuropathy Type 1E (HSAN1E). Identifiers: Orphanet 456318, MedGen C3279885, MONDO:0013584, OMIM 614116.

Allele frequency attached by ClinVar (database versions not stated): TOPMed below 0.00001; ExAC 0.00001.
gnomAD v4.1: 5 of 1,613,070 alleles (0.00031%); highest among the groups gnomAD compares: Middle Eastern, 0.017%; no homozygotes.

Submission:

Labcorp Genetics (formerly Invitae), Labcorp
Classification: Uncertain significance for Hereditary sensory neuropathy-deafness-dementia syndrome. Last evaluated: 2022-07-13. Review status: criteria provided, single submitter. Criteria: Invitae Variant Classification Sherloc (09022015). Collection method: clinical testing. Allele origin: germline.
Comment: In summary, the available evidence is currently insufficient to determine the role of this variant in disease. Therefore, it has been classified as a Variant of Uncertain Significance. Algorithms developed to predict the effect of missense changes on protein structure and function are either unavailable or do not agree on the potential impact of this missense change (SIFT: "Deleterious"; PolyPhen-2: "Probably Damaging"; Align-GVGD: "Class C0"). This variant has not been reported in the literature in individuals affected with DNMT1-related conditions. The frequency data for this variant in the population databases is considered unreliable, as metrics indicate poor data quality at this position in the gnomAD database. This sequence change replaces glycine, which is neutral and non-polar, with serine, which is neutral and polar, at codon 433 of the DNMT1 protein (p.Gly433Ser).